The following is an entry in ClinVar:

ClinVar aggregate classification (germline): Conflicting classifications of pathogenicity. Review status: criteria provided, conflicting classifications (1 of 4 stars). 5 submissions from 5 submitters: Uncertain significance (3); Likely benign (2). Last evaluated 2026-01-28.

Conditions:
ILDR1-related disorder. Also called: ILDR1-related condition.
Autosomal recessive nonsyndromic hearing loss 42. Identifiers: Orphanet 90636, MedGen C1864818, MONDO:0012326, OMIM 609646.

Allele frequency attached by ClinVar (database versions not stated): gnomAD exomes 0.00007 and 0.00066; 1000 Genomes Project 30x 0.00016; TOPMed 0.00035; gnomAD 0.00036 and 0.00038.
gnomAD v4.1: 152 of 1,535,990 alleles (0.0099%); highest among the groups gnomAD compares: Admixed American, 0.29%; no homozygotes.

Submissions (5):

Labcorp Genetics (formerly Invitae), Labcorp
Classification: Likely benign. Last evaluated: 2026-01-28. Review status: criteria provided, single submitter. Criteria: Invitae Variant Classification Sherloc (09022015). Collection method: clinical testing. Allele origin: germline.

PreventionGenetics, part of Exact Sciences
Classification: Likely benign for ILDR1-related condition. Last evaluated: 2025-07-21. Review status: criteria provided, single submitter. Criteria: ACMG Guidelines, 2015. Collection method: clinical testing. Allele origin: germline.
Comment: This variant is classified as likely benign based on ACMG/AMP sequence variant interpretation guidelines (Richards et al. 2015 PMID: 25741868, with internal and published modifications).

Blueprint Genetics
Classification: Uncertain significance. Last evaluated: 2022-04-30. Review status: criteria provided, single submitter. Criteria: ACMG Guidelines, 2015. Collection method: clinical testing. Allele origin: germline.

Department of Pathology and Laboratory Medicine, Sinai Health System
Classification: Uncertain significance for Autosomal recessive nonsyndromic hearing loss 42. Last evaluated: 2022-02-11. Review status: criteria provided, single submitter. Criteria: ACMG Guidelines, 2015. Collection method: research. Allele origin: germline.

GeneDx
Classification: Uncertain significance. Last evaluated: 2021-05-19. Review status: criteria provided, single submitter. Criteria: GeneDx Variant Classification Process June 2021. Collection method: clinical testing. Allele origin: germline. Affected: yes.
Comment: In silico analysis supports that this missense variant does not alter protein structure/function; Has not been previously published as pathogenic or benign to our knowledge

NM_001199799.2(ILDR1):c.686T>C (p.Leu229Pro)

Gene: ILDR1 (immunoglobulin like domain containing receptor 1; minus strand). Cytogenetic location: 3q13.33.
Variant type: single nucleotide variant.
Coding change: c.686T>C on transcript NM_001199799.2 (MANE Select); coding-DNA position 686, T replaced by C.
Protein change: p.Leu229Pro; replaces leucine 229 with proline.
Molecular consequence: missense variant. On other transcripts: intron variant (1).
Genome position (GRCh38, 1-based): chr3:121,994,274, A>G on the plus strand (T>C on the coding strand, the complement: ILDR1 is on the minus strand). VCF-style: chr3-121994274-A-G. GRCh37 (hg19) VCF-style: chr3-121713121-A-G.
Other names: c.419T>C, p.Leu140Pro (NM_001199800.2); c.647-304T>C (NM_175924.4); short protein forms L140P, L229P.
Identifiers: ClinVar variation 1208482 (VCV001208482.14), dbSNP rs546168333, ClinGen allele CA82735890.